The following is an entry in ClinVar:

NM_005359.6(SMAD4):c.788-1G>C

Gene: SMAD4 (SMAD family member 4; plus strand). Cytogenetic location: 18q21.2.
Variant type: single nucleotide variant.
Coding change: c.788-1G>C on transcript NM_005359.6 (MANE Select); the canonical splice acceptor site of the intron before coding-DNA position 788, G replaced by C.
Molecular consequence: splice acceptor variant.
Genome position (GRCh38, 1-based): chr18:51,058,339, G>C. VCF-style: chr18-51058339-G-C. GRCh37 (hg19) VCF-style: chr18-48584709-G-C.
Other names: c.788-1G>C (NM_001407042.1, NM_001407041.1, NM_001407043.1).
Identifiers: ClinVar variation 3148080 (VCV003148080.1), dbSNP rs2144428309, ClinGen allele CA402463245.

ClinVar aggregate classification (germline): Likely pathogenic (1 of 4 stars; one submission).

Conditions:
Juvenile polyposis/hereditary hemorrhagic telangiectasia syndrome (JPHT). Also called: Juvenile Polyposis Syndrome / Hereditary Hemorrhagic Telangiectasia (JPS/HHT); JP/HHT SYNDROME; JUVENILE POLYPOSIS WITH HEREDITARY HEMORRHAGIC TELANGIECTASIA; POLYPOSIS, GENERALIZED JUVENILE, WITH PULMONARY ARTERIOVENOUS MALFORMATION; TELANGIECTASIA, HEREDITARY HEMORRHAGIC, WITH JUVENILE POLYPOSIS COLI. Identifiers: Orphanet 2929, MedGen C1832942, MONDO:0008278, OMIM 175050.

Submission:

Myriad Genetics, Inc.
Classification: Likely pathogenic for Juvenile polyposis/hereditary hemorrhagic telangiectasia syndrome. Last evaluated: 2024-02-09. Review status: criteria provided, single submitter. Criteria: Myriad Autosomal Dominant, Autosomal Recessive and X-Linked Classification Criteria (2023). Collection method: clinical testing. Allele origin: unknown.
Comment: This variant is considered likely pathogenic. This variant occurs within a consensus splice junction and is predicted to result in abnormal mRNA splicing of either an out-of-frame exon or an in-frame exon necessary for protein stability and/or normal function.